The following is an entry in ClinVar:

NM_001845.6(COL4A1):c.665T>G (p.Leu222Ter)

Gene: COL4A1 (collagen type IV alpha 1 chain; minus strand). Cytogenetic location: 13q34.
Variant type: single nucleotide variant.
Coding change: c.665T>G on transcript NM_001845.6 (MANE Select); coding-DNA position 665, T replaced by G.
Protein change: p.Leu222Ter; replaces leucine 222 with a stop codon.
Molecular consequence: nonsense.
Genome position (GRCh38, 1-based): chr13:110,208,877, A>C on the plus strand (T>G on the coding strand, the complement: COL4A1 is on the minus strand). VCF-style: chr13-110208877-A-C. GRCh37 (hg19) VCF-style: chr13-110861224-A-C.
Other names: c.665T>G, p.Leu222Ter (NM_001303110.2); short protein forms L222*.
Identifiers: ClinVar variation 1708132 (VCV001708132.6), dbSNP rs2501590784, ClinGen allele CA388725303.

ClinVar aggregate classification (germline): Pathogenic. Review status: criteria provided, multiple submitters, no conflicts (2 of 4 stars). 2 submissions from 2 submitters: Pathogenic (2). Last evaluated 2022-12-12.

Conditions:
Brain small vessel disease 1 with or without ocular anomalies (BSVD1). Also called: Brain small vessel disease with or without ocular anomalies; BRAIN SMALL VESSEL DISEASE WITH HEMORRHAGE; GOULD SYNDROME 1; PORENCEPHALY, TYPE 1, AUTOSOMAL DOMINANT. Identifiers: Orphanet 2940, Orphanet 36383, Orphanet 99810, MedGen C4755307, MONDO:0008289, OMIM 175780.

Submissions (2):

Labcorp Genetics (formerly Invitae), Labcorp
Classification: Pathogenic. Last evaluated: 2022-12-12. Review status: criteria provided, single submitter. Criteria: Invitae Variant Classification Sherloc (09022015). Collection method: clinical testing. Allele origin: germline.
Comment: For these reasons, this variant has been classified as Pathogenic. This variant is not present in population databases (gnomAD no frequency). This sequence change creates a premature translational stop signal (p.Leu222*) in the COL4A1 gene. It is expected to result in an absent or disrupted protein product. Loss-of-function variants in COL4A1 are known to be pathogenic (PMID: 23225343). This variant has not been reported in the literature in individuals affected with COL4A1-related conditions. ClinVar contains an entry for this variant (Variation ID: 1708132).

Laboratory of Medical Genetics, National & Kapodistrian University of Athens
Classification: Pathogenic for Brain small vessel disease 1 with or without ocular anomalies. Last evaluated: 2022-01-07. Review status: criteria provided, single submitter. Criteria: ACMG Guidelines, 2015. Collection method: clinical testing. Allele origin: germline. Affected: yes.
Comment: PVS1, PM2, PP3

Literature cited by the submitters: PubMed 23225343 (cited by Labcorp Genetics (formerly Invitae), Labcorp).